The following is an entry in ClinVar:

NM_014629.4(ARHGEF10):c.2780A>G (p.Asn927Ser)

Gene: ARHGEF10 (Rho guanine nucleotide exchange factor 10; plus strand). Cytogenetic location: 8p23.3.
Variant type: single nucleotide variant.
Coding change: c.2780A>G on transcript NM_014629.4 (MANE Select); coding-DNA position 2780, A replaced by G.
Protein change: p.Asn927Ser; replaces asparagine 927 with serine.
Molecular consequence: missense variant.
Genome position (GRCh38, 1-based): chr8:1,928,509, A>G. VCF-style: chr8-1928509-A-G. GRCh37 (hg19) VCF-style: chr8-1876675-A-G.
Other names: c.2666A>G, p.Asn889Ser (NM_001308152.2); c.2780A>G, p.Asn927Ser (NM_001308153.3); short protein forms N889S, N927S, N951S.
Identifiers: ClinVar variation 2145448 (VCV002145448.5), dbSNP rs370332891, ClinGen allele CA4601064.

ClinVar aggregate classification (germline): Uncertain significance. Review status: criteria provided, multiple submitters, no conflicts (2 of 4 stars). 2 submissions from 2 submitters: Uncertain significance (2). Last evaluated 2025-04-14.

Allele frequency attached by ClinVar (database versions not stated): gnomAD 0.00001.
gnomAD v4.1: 35 of 1,614,068 alleles (0.0022%); highest among the groups gnomAD compares: Admixed American, 0.032%; no homozygotes.

Submissions (2):

Ambry Genetics
Classification: Uncertain significance. Last evaluated: 2025-04-14. Review status: criteria provided, single submitter. Criteria: Ambry Variant Classification Scheme 2023. Collection method: clinical testing. Allele origin: germline.

Labcorp Genetics (formerly Invitae), Labcorp
Classification: Uncertain significance. Last evaluated: 2022-06-21. Review status: criteria provided, single submitter. Criteria: Invitae Variant Classification Sherloc (09022015). Collection method: clinical testing. Allele origin: germline.
Comment: This variant has not been reported in the literature in individuals affected with ARHGEF10-related conditions. In summary, the available evidence is currently insufficient to determine the role of this variant in disease. Therefore, it has been classified as a Variant of Uncertain Significance. Algorithms developed to predict the effect of missense changes on protein structure and function are either unavailable or do not agree on the potential impact of this missense change (SIFT: "Tolerated"; PolyPhen-2: "Probably Damaging"; Align-GVGD: "Class C0"). This variant is present in population databases (rs370332891, gnomAD 0.04%). This sequence change replaces asparagine, which is neutral and polar, with serine, which is neutral and polar, at codon 927 of the ARHGEF10 protein (p.Asn927Ser).